The following is an entry in ClinVar:

ClinVar aggregate classification (germline): Uncertain significance (1 of 4 stars; one submission).

Conditions:
Inborn genetic diseases. Identifiers: MedGen C0950123, MeSH D030342.

Allele frequency attached by ClinVar (database versions not stated): gnomAD exomes below 0.00001; ExAC 0.00001.
gnomAD v4.1: 1 of 1,613,148 alleles (0.000062%); highest among the groups gnomAD compares: Non-Finnish European, 0.000085%; no homozygotes.

Submission:

Ambry Genetics
Classification: Uncertain significance for Inborn genetic diseases. Last evaluated: 2021-11-29. Review status: criteria provided, single submitter. Criteria: Ambry Variant Classification Scheme 2023. Collection method: clinical testing. Allele origin: germline.
Comment: The p.K2185N variant (also known as c.6555A>C), located in coding exon 25 of the F5 gene, results from an A to C substitution at nucleotide position 6555. The lysine at codon 2185 is replaced by asparagine, an amino acid with similar properties. This amino acid position is conserved. In addition, this alteration is predicted to be tolerated by in silico analysis. Since supporting evidence is limited at this time, the clinical significance of this alteration remains unclear.

NM_000130.5(F5):c.6555A>C (p.Lys2185Asn)

Gene: F5 (coagulation factor V; minus strand). Cytogenetic location: 1q24.2.
Variant type: single nucleotide variant.
Coding change: c.6555A>C on transcript NM_000130.5 (MANE Select); coding-DNA position 6555, A replaced by C.
Protein change: p.Lys2185Asn; replaces lysine 2185 with asparagine.
Molecular consequence: missense variant.
Genome position (GRCh38, 1-based): chr1:169,514,433, T>G on the plus strand (A>C on the coding strand, the complement: F5 is on the minus strand). VCF-style: chr1-169514433-T-G. GRCh37 (hg19) VCF-style: chr1-169483671-T-G.
Other names: short protein forms K2185N.
Identifiers: ClinVar variation 1754169 (VCV001754169.2), dbSNP rs762252844, ClinGen allele CA1233207.